The following is an entry in ClinVar:

NM_004370.6(COL12A1):c.3809C>T (p.Pro1270Leu)

Gene: COL12A1 (collagen type XII alpha 1 chain; minus strand). Cytogenetic location: 6q13.
Variant type: single nucleotide variant.
Coding change: c.3809C>T on transcript NM_004370.6 (MANE Select); coding-DNA position 3809, C replaced by T.
Protein change: p.Pro1270Leu; replaces proline 1270 with leucine.
Molecular consequence: missense variant.
Genome position (GRCh38, 1-based): chr6:75,152,157, G>A on the plus strand (C>T on the coding strand, the complement: COL12A1 is on the minus strand). VCF-style: chr6-75152157-G-A. GRCh37 (hg19) VCF-style: chr6-75861873-G-A.
Other names: c.317C>T, p.Pro106Leu (NM_080645.3); c.3809C>T (NM_004370.5); short protein forms P106L, P1270L.
Identifiers: ClinVar variation 2440263 (VCV002440263.7), dbSNP rs762126901, ClinGen allele CA3893618.

ClinVar aggregate classification (germline): Uncertain significance. Review status: criteria provided, multiple submitters, no conflicts (2 of 4 stars). 3 submissions from 3 submitters: Uncertain significance (3). Last evaluated 2025-02-10.

Conditions:
Bethlem myopathy 2 (BTHLM2). Identifiers: Orphanet 536516, Orphanet 610, MedGen C4225313, MONDO:0034022, OMIM 616471.
Ullrich congenital muscular dystrophy 2 (UCMD2). Identifiers: Orphanet 75840, MedGen C4225314, MONDO:0014654, OMIM 616470.

Allele frequency attached by ClinVar (database versions not stated): gnomAD exomes 0.00001; TOPMed below 0.00001; ExAC 0.00003.
gnomAD v4.1: 17 of 1,613,596 alleles (0.0011%); highest among the groups gnomAD compares: Non-Finnish European, 0.0012%; no homozygotes.

Submissions (3):

Labcorp Genetics (formerly Invitae), Labcorp
Classification: Uncertain significance for Bethlem myopathy 2; Ullrich congenital muscular dystrophy 2. Last evaluated: 2025-02-10. Review status: criteria provided, single submitter. Criteria: Invitae Variant Classification Sherloc (09022015). Collection method: clinical testing. Allele origin: germline.
Comment: This sequence change replaces proline, which is neutral and non-polar, with leucine, which is neutral and non-polar, at codon 1270 of the COL12A1 protein (p.Pro1270Leu). This variant is present in population databases (rs762126901, gnomAD 0.005%). This variant has not been reported in the literature in individuals affected with COL12A1-related conditions. ClinVar contains an entry for this variant (Variation ID: 2440263). Invitae Evidence Modeling of protein sequence and biophysical properties (such as structural, functional, and spatial information, amino acid conservation, physicochemical variation, residue mobility, and thermodynamic stability) has been performed for this missense variant. However, the output from this modeling did not meet the statistical confidence thresholds required to predict the impact of this variant on COL12A1 protein function. In summary, the available evidence is currently insufficient to determine the role of this variant in disease. Therefore, it has been classified as a Variant of Uncertain Significance.

Revvity Omics, Revvity
Classification: Uncertain significance. Last evaluated: 2024-07-10. Review status: criteria provided, single submitter. Criteria: ACMG Guidelines, 2015. Collection method: clinical testing. Allele origin: germline.

GeneDx
Classification: Uncertain significance. Last evaluated: 2022-12-01. Review status: criteria provided, single submitter. Criteria: GeneDx Variant Classification Process June 2021. Collection method: clinical testing. Allele origin: germline. Affected: yes.
Comment: Has not been previously published as pathogenic or benign to our knowledge; In silico analysis supports that this missense variant has a deleterious effect on protein structure/function